The following is an entry in ClinVar:

NM_000252.3(MTM1):c.814del (p.Ser272fs)

Gene: MTM1 (myotubularin 1; plus strand). Cytogenetic location: Xq28.
Variant type: Deletion.
Coding change: c.814del on transcript NM_000252.3 (MANE Select); coding-DNA position 814, one base deleted (T; older notation c.814delT).
Protein change: p.Ser272fs; shifts the reading frame from serine 272.
Molecular consequence: frameshift variant.
Genome position (GRCh38, 1-based): chrX:150,645,818, T deleted; the last of 3 consecutive T bases (chrX:150,645,816-150,645,818); deleting any one gives the same sequence. VCF-style (leftmost placement, unchanged base first): chrX-150645815-AT-A. GRCh37 (hg19) VCF-style: chrX-149814288-AT-A.
Other names: c.814del, p.Ser272fs (NM_001376906.1, NM_001376908.1); c.703del, p.Ser235fs (NM_001376907.1); c.814delT (NM_000252.2); short protein forms S272fs, S235fs.
Identifiers: ClinVar variation 817134 (VCV000817134.5), dbSNP rs1603192748, ClinGen allele CA915952008.
Genomic context (GRCh38, chrX:150,645,815, plus strand): 5'-GGGAAACGAAATAAAGATGATGAGAAATATCTCGATGTTATCAGGGAGACTAATAAACAA[AT>A]TTCTAAACTCACCATTTATGATGCAAGACCCAGCGTAAATGCAGTGGCCAACAAGGTGAG-3'

ClinVar aggregate classification (germline): Pathogenic. Review status: criteria provided, multiple submitters, no conflicts (2 of 4 stars). 2 submissions from 2 submitters: Pathogenic (2). Last evaluated 2019-03-12.

Submissions (2):

Genetic Services Laboratory, University of Chicago
Classification: Pathogenic. Last evaluated: 2019-03-12. Review status: criteria provided, single submitter. Criteria: ACMG Guidelines, 2015. Collection method: clinical testing. Allele origin: germline. Affected: yes.

GeneDx
Classification: Pathogenic. Last evaluated: 2018-06-27. Review status: criteria provided, single submitter. Criteria: GeneDx Variant Classification (06012015). Collection method: clinical testing. Allele origin: germline. Affected: yes.
Comment: The c.814delT variant in the MTM1 gene has not been reported previously as a pathogenic variant nor as a benign variant, to our knowledge. The c.814delT variant causes a frameshift starting with codon Serine 272, changes this amino acid to a Leucine residue, and creates a premature Stop codon at position 12 of the new reading frame, denoted p.Ser272LeufsX12. This variant is predicted to cause loss of normal protein function either through protein truncation or nonsense-mediated mRNA decay. The c.814delT variant is not observed in large population cohorts (Lek et al., 2016). We interpret c.814delT as a pathogenic variant.